The following is an entry in ClinVar:

NM_030665.4(RAI1):c.246C>G (p.Ser82Arg)

Gene: RAI1 (retinoic acid induced 1; plus strand). Cytogenetic location: 17p11.2.
Variant type: single nucleotide variant.
Coding change: c.246C>G on transcript NM_030665.4 (MANE Select); coding-DNA position 246, C replaced by G.
Protein change: p.Ser82Arg; replaces serine 82 with arginine.
Molecular consequence: missense variant.
Genome position (GRCh38, 1-based): chr17:17,793,194, C>G. VCF-style: chr17-17793194-C-G. GRCh37 (hg19) VCF-style: chr17-17696508-C-G.
Other names: short protein forms S82R.
Identifiers: ClinVar variation 5001502 (VCV005001502.1).

ClinVar aggregate classification (germline): Uncertain significance (1 of 4 stars; one submission).

Conditions:
RAI1-related disorder. Also called: RAI1-related condition.

gnomAD v4.1: 11 of 1,612,702 alleles (0.00068%); highest among the groups gnomAD compares: South Asian, 0.012%; no homozygotes.

Submission:

PreventionGenetics, part of Exact Sciences
Classification: Uncertain significance for RAI1-related condition. Last evaluated: 2026-04-15. Review status: criteria provided, single submitter. Criteria: ACMG Guidelines, 2015. Collection method: clinical testing. Allele origin: germline.
Comment: The RAI1 c.246C>G variant is predicted to result in the amino acid substitution p.Ser82Arg. To our knowledge, this variant has not been reported in the literature. This variant is reported in 0.0033% of alleles in individuals of South Asian descent in gnomAD. At this time, the clinical significance of this variant is uncertain due to the absence of conclusive functional and genetic evidence.